The following is an entry in ClinVar:

NM_201253.3(CRB1):c.470G>A (p.Cys157Tyr)

Gene: CRB1 (crumbs cell polarity complex component 1; plus strand). Cytogenetic location: 1q31.3.
Variant type: single nucleotide variant.
Coding change: c.470G>A on transcript NM_201253.3 (MANE Select); coding-DNA position 470, G replaced by A.
Protein change: p.Cys157Tyr; replaces cysteine 157 with tyrosine.
Molecular consequence: missense variant. On other transcripts: non-coding transcript variant (2).
Genome position (GRCh38, 1-based): chr1:197,328,821, G>A. VCF-style: chr1-197328821-G-A. GRCh37 (hg19) VCF-style: chr1-197297951-G-A.
Other names: c.470G>A, p.Cys157Tyr (NM_001193640.2, NM_001257966.2); c.263G>A, p.Cys88Tyr (NM_001257965.2); short protein forms C88Y, C157Y.
Identifiers: ClinVar variation 1480662 (VCV001480662.8), dbSNP rs2125304430, ClinGen allele CA344085846.
Genomic context (GRCh38, chr1:197,328,821, plus strand): 5'-CTGCTGGATATGCTGGAAGATTCTGTGAGATAGATCACGATGAGTGTGCTTCCAGCCCTT[G>A]CCAAAATGGGGCCGTGTGCCAGGATGGAATTGATGGTTACTCCTGCTTCTGTGTCCCAGG-3'
Protein context (NP_957705.1, residues 147-167): IDHDECASSP[Cys157Tyr]QNGAVCQDGI

ClinVar aggregate classification (germline): Uncertain significance (1 of 4 stars; one submission).

Conditions:
Retinitis pigmentosa 12 (RP12). Also called: RP WITH OR WITHOUT PPRPE; RP WITH OR WITHOUT PRESERVED PARAARTERIOLE RETINAL PIGMENT EPITHELIUM; RETINITIS PIGMENTOSA WITH OR WITHOUT PARAARTERIOLAR PRESERVATION OF RETINAL PIGMENT EPITHELIUM. Identifiers: Orphanet 791, MedGen C1838647, MONDO:0010818, OMIM 600105.
Leber congenital amaurosis 8 (LCA8). Identifiers: Orphanet 65, MedGen C3151202, MONDO:0013453, OMIM 613835.

Submission:

Labcorp Genetics (formerly Invitae), Labcorp
Classification: Uncertain significance for Leber congenital amaurosis 8; Retinitis pigmentosa 12. Last evaluated: 2022-05-10. Review status: criteria provided, single submitter. Criteria: Invitae Variant Classification Sherloc (09022015). Collection method: clinical testing. Allele origin: germline.
Comment: This sequence change replaces cysteine, which is neutral and slightly polar, with tyrosine, which is neutral and polar, at codon 157 of the CRB1 protein (p.Cys157Tyr). This variant is not present in population databases (gnomAD no frequency). This variant has not been reported in the literature in individuals affected with CRB1-related conditions. Advanced modeling of protein sequence and biophysical properties (such as structural, functional, and spatial information, amino acid conservation, physicochemical variation, residue mobility, and thermodynamic stability) performed at Invitae indicates that this missense variant is expected to disrupt CRB1 protein function. In summary, the available evidence is currently insufficient to determine the role of this variant in disease. Therefore, it has been classified as a Variant of Uncertain Significance.